The following is an entry in ClinVar:

ClinVar aggregate classification (germline): Uncertain significance (1 of 4 stars; one submission).

Conditions:
Epileptic encephalopathy. Identifiers: MedGen C0543888, HP:0200134.

Allele frequency attached by ClinVar (database versions not stated): gnomAD exomes below 0.00001 and 0.00001; gnomAD 0.00001; ExAC 0.00002.
gnomAD v4.1: 3 of 1,611,680 alleles (0.00019%); highest among the groups gnomAD compares: Admixed American, 0.005%; no homozygotes.

Submission:

Labcorp Genetics (formerly Invitae), Labcorp
Classification: Uncertain significance for Epileptic encephalopathy. Last evaluated: 2024-05-28. Review status: criteria provided, single submitter. Criteria: Invitae Variant Classification Sherloc (09022015). Collection method: clinical testing. Allele origin: germline.
Comment: This sequence change replaces alanine, which is neutral and non-polar, with threonine, which is neutral and polar, at codon 1011 of the FASN protein (p.Ala1011Thr). This variant is present in population databases (rs781711707, gnomAD 0.006%). This variant has not been reported in the literature in individuals affected with FASN-related conditions. ClinVar contains an entry for this variant (Variation ID: 954723). Algorithms developed to predict the effect of missense changes on protein structure and function output the following: SIFT: "Not Available"; PolyPhen-2: "Benign"; Align-GVGD: "Not Available". The threonine amino acid residue is found in multiple mammalian species, which suggests that this missense change does not adversely affect protein function. In summary, the available evidence is currently insufficient to determine the role of this variant in disease. Therefore, it has been classified as a Variant of Uncertain Significance.

NM_004104.5(FASN):c.3031G>A (p.Ala1011Thr)

Gene: FASN (fatty acid synthase; minus strand). Cytogenetic location: 17q25.3.
Variant type: single nucleotide variant.
Coding change: c.3031G>A on transcript NM_004104.5 (MANE Select); coding-DNA position 3031, G replaced by A.
Protein change: p.Ala1011Thr; replaces alanine 1011 with threonine.
Molecular consequence: missense variant.
Genome position (GRCh38, 1-based): chr17:82,087,697, C>T on the plus strand (G>A on the coding strand, the complement: FASN is on the minus strand). VCF-style: chr17-82087697-C-T. GRCh37 (hg19) VCF-style: chr17-80045573-C-T.
Other names: short protein forms A1011T.
Identifiers: ClinVar variation 954723 (VCV000954723.9), dbSNP rs781711707, ClinGen allele CA8852549.